The following is an entry in ClinVar:

ClinVar aggregate classification (germline): Uncertain significance (1 of 4 stars; one submission).

Submission:

Labcorp Genetics (formerly Invitae), Labcorp
Classification: Uncertain significance. Last evaluated: 2022-08-19. Review status: criteria provided, single submitter. Criteria: Invitae Variant Classification Sherloc (09022015). Collection method: clinical testing. Allele origin: germline.
Comment: In summary, the available evidence is currently insufficient to determine the role of this variant in disease. Therefore, it has been classified as a Variant of Uncertain Significance. This sequence change replaces arginine, which is basic and polar, with proline, which is neutral and non-polar, at codon 781 of the CNGB3 protein (p.Arg781Pro). This variant is not present in population databases (gnomAD no frequency). This variant has not been reported in the literature in individuals affected with CNGB3-related conditions. Advanced modeling of protein sequence and biophysical properties (such as structural, functional, and spatial information, amino acid conservation, physicochemical variation, residue mobility, and thermodynamic stability) performed at Invitae indicates that this missense variant is not expected to disrupt CNGB3 protein function.

NM_019098.5(CNGB3):c.2342G>C (p.Arg781Pro)

Gene: CNGB3 (cyclic nucleotide gated channel subunit beta 3; minus strand). Cytogenetic location: 8q21.3.
Variant type: single nucleotide variant.
Coding change: c.2342G>C on transcript NM_019098.5 (MANE Select); coding-DNA position 2342, G replaced by C.
Protein change: p.Arg781Pro; replaces arginine 781 with proline.
Molecular consequence: missense variant.
Genome position (GRCh38, 1-based): chr8:86,575,892, C>G on the plus strand (G>C on the coding strand, the complement: CNGB3 is on the minus strand). VCF-style: chr8-86575892-C-G. GRCh37 (hg19) VCF-style: chr8-87588120-C-G.
Other names: short protein forms R781P.
Identifiers: ClinVar variation 2108209 (VCV002108209.4), dbSNP rs772444831, ClinGen allele CA371446140.